The following is an entry in ClinVar:

NM_000368.5(TSC1):c.104C>T (p.Ser35Phe)

Gene: TSC1 (TSC complex subunit 1; minus strand). Cytogenetic location: 9q34.13.
Variant type: single nucleotide variant.
Coding change: c.104C>T on transcript NM_000368.5 (MANE Select); coding-DNA position 104, C replaced by T.
Protein change: p.Ser35Phe; replaces serine 35 with phenylalanine.
Molecular consequence: missense variant. On other transcripts: 5 prime UTR variant (16), non-coding transcript variant (5), intron variant (2).
Genome position (GRCh38, 1-based): chr9:132,928,769, G>A on the plus strand (C>T on the coding strand, the complement: TSC1 is on the minus strand). VCF-style: chr9-132928769-G-A. GRCh37 (hg19) VCF-style: chr9-135804156-G-A.
Other names: c.104C>T, p.Ser35Phe (NM_001406613.1, NM_001162426.2, NM_001162427.2 and 21 more transcripts); c.-248C>T (NM_001406614.1); c.-385C>T (NM_001406615.1, NM_001406623.1); c.-352C>T (NM_001406616.1, NM_001406624.1); c.-156C>T (NM_001406617.1, NM_001406619.1, NM_001406621.1 and 3 more transcripts); c.-774C>T (NM_001406626.1, NM_001406627.1, NM_001406628.1); c.-916C>T (NM_001406629.1); c.-990C>T (NM_001406630.1); and 1 more; short protein forms S35F.
Identifiers: ClinVar variation 4192075 (VCV004192075.1).
Genomic context (GRCh38, chr9:132,928,769, plus strand): 5'-TCTAAAGTCAATCTCTTCTTTCTAGAAGATAAGCTAAAAAGGATATTATTTTGCTAACCA[G>A]AATTGAGGTTCTCTTTAAAGACAGCTGTCACGTCGTCCCGCACACCCAGCATGGGGGAGT-3'
Protein context (NP_000359.1, residues 25-45): VTAVFKENLN[Ser35Phe]DRGPMLVNTL

ClinVar aggregate classification (germline): Uncertain significance (1 of 4 stars; one submission).

Conditions:
Hereditary cancer-predisposing syndrome. Also called: Neoplastic Syndromes, Hereditary; Tumor predisposition; Hereditary Cancer Syndrome; Hereditary neoplastic syndrome. Identifiers: Orphanet 140162, MedGen C0027672, MeSH D009386, MONDO:0015356.

Submission:

Ambry Genetics
Classification: Uncertain significance for Hereditary cancer-predisposing syndrome. Last evaluated: 2025-07-12. Review status: criteria provided, single submitter. Criteria: Ambry Variant Classification Scheme 2023. Collection method: clinical testing. Allele origin: germline.
Comment: The p.S35F variant (also known as c.104C>T), located in coding exon 1 of the TSC1 gene, results from a C to T substitution at nucleotide position 104. The serine at codon 35 is replaced by phenylalanine, an amino acid with highly dissimilar properties. This amino acid position is conserved. In addition, the in silico prediction for this alteration is inconclusive. Based on the available evidence, the clinical significance of this variant remains unclear.